The following is an entry in ClinVar:

NM_004990.4(MARS1):c.2553A>G (p.Lys851=)

Gene: MARS1 (methionyl-tRNA synthetase 1; plus strand). Cytogenetic location: 12q13.3.
Variant type: single nucleotide variant.
Coding change: c.2553A>G on transcript NM_004990.4 (MANE Select); coding-DNA position 2553, A replaced by G.
Protein change: p.Lys851=; no amino-acid change (lysine 851 retained).
Molecular consequence: synonymous variant.
Genome position (GRCh38, 1-based): chr12:57,516,334, A>G. VCF-style: chr12-57516334-A-G. GRCh37 (hg19) VCF-style: chr12-57910117-A-G.
Identifiers: ClinVar variation 3752795 (VCV003752795.2).
Genomic context (GRCh38, chr12:57,516,334, plus strand): 5'-AGAGACTGTTACAACAGCCAAGCCACAGCAGATACAAGCGCTGATGGATGAAGTGACAAA[A>G]CAAGTATGAAGCTTAAGCCCTGTGGGAGACTGGACAAGCTGAATCCTAAATAGATCTTTT-3'
Protein context (NP_004981.2, residues 841-861): QIQALMDEVT[Lys851=]QGNIVRELKA

ClinVar aggregate classification (germline): Uncertain significance (1 of 4 stars; one submission).

Conditions:
Severe early-onset pulmonary alveolar proteinosis due to MARS deficiency. Also called: Interstitial lung and liver disease; PULMONARY ALVEOLAR PROTEINOSIS, REUNION ISLAND. Identifiers: Orphanet 440427, MedGen C4225400, MONDO:0014206, OMIM 615486.
Charcot-Marie-Tooth disease axonal type 2U. Also called: CHARCOT-MARIE-TOOTH NEUROPATHY, TYPE 2U; CHARCOT-MARIE-TOOTH DISEASE, AXONAL, AUTOSOMAL DOMINANT, TYPE 2U. Identifiers: Orphanet 397735, MedGen C4084821, MONDO:0014566, OMIM 616280.

Submission:

Labcorp Genetics (formerly Invitae), Labcorp
Classification: Uncertain significance for Charcot-Marie-Tooth disease axonal type 2U; Severe early-onset pulmonary alveolar proteinosis due to MARS deficiency. Last evaluated: 2024-05-17. Review status: criteria provided, single submitter. Criteria: Invitae Variant Classification Sherloc (09022015). Collection method: clinical testing. Allele origin: germline.
Comment: This sequence change affects codon 851 of the MARS mRNA. It is a 'silent' change, meaning that it does not change the encoded amino acid sequence of the MARS protein. This variant is not present in population databases (gnomAD no frequency). This variant has not been reported in the literature in individuals affected with MARS-related conditions. Algorithms developed to predict the effect of sequence changes on RNA splicing suggest that this variant may disrupt the consensus splice site. In summary, the available evidence is currently insufficient to determine the role of this variant in disease. Therefore, it has been classified as a Variant of Uncertain Significance.